The following is an entry in ClinVar:

ClinVar aggregate classification (germline): Likely benign. Review status: criteria provided, multiple submitters, no conflicts (2 of 4 stars). 2 submissions from 2 submitters: Likely benign (2). Last evaluated 2023-07-01.

Allele frequency attached by ClinVar (database versions not stated): ExAC 0.00001; gnomAD 0.00001; gnomAD exomes 0.00001 and 0.00002; TOPMed 0.00002.
gnomAD v4.1: 38 of 1,613,222 alleles (0.0024%); highest among the groups gnomAD compares: Non-Finnish European, 0.0026%; no homozygotes.

Submissions (2):

CeGaT Center for Human Genetics Tuebingen
Classification: Likely benign. Last evaluated: 2023-07-01. Review status: criteria provided, single submitter. Criteria: CeGaT Center For Human Genetics Tuebingen Variant Classification Criteria Version 2. Collection method: clinical testing. Allele origin: germline. Affected: yes. Observed: 1 variant allele.
Comment: NDUFV2: BP4, BP7

GeneDx
Classification: Likely benign. Last evaluated: 2018-09-25. Review status: criteria provided, single submitter. Criteria: GeneDx Variant Classification Process June 2021. Collection method: clinical testing. Allele origin: germline. Affected: yes.

NM_021074.5(NDUFV2):c.192G>A (p.Glu64=)

Gene: NDUFV2 (NADH:ubiquinone oxidoreductase core subunit V2; plus strand). Cytogenetic location: 18p11.22.
Variant type: single nucleotide variant.
Coding change: c.192G>A on transcript NM_021074.5 (MANE Select); coding-DNA position 192, G replaced by A.
Protein change: p.Glu64=; no amino-acid change (glutamic acid 64 retained).
Molecular consequence: synonymous variant.
Genome position (GRCh38, 1-based): chr18:9,119,482, G>A. VCF-style: chr18-9119482-G-A. GRCh37 (hg19) VCF-style: chr18-9119480-G-A.
Identifiers: ClinVar variation 392390 (VCV000392390.27), dbSNP rs761235301, ClinGen allele CA8887150.